The following is an entry in ClinVar:

NM_006852.6(TLK2):c.1989G>T (p.Gln663His)

Gene: TLK2 (tousled like kinase 2; plus strand). Cytogenetic location: 17q23.2.
Variant type: single nucleotide variant.
Coding change: c.1989G>T on transcript NM_006852.6 (MANE Select); coding-DNA position 1989, G replaced by T.
Protein change: p.Gln663His; replaces glutamine 663 with histidine.
Molecular consequence: missense variant.
Genome position (GRCh38, 1-based): chr17:62,608,058, G>T. VCF-style: chr17-62608058-G-T. GRCh37 (hg19) VCF-style: chr17-60685419-G-T.
Other names: c.2055G>T, p.Gln685His (NM_001284333.3); c.1893G>T, p.Gln631His (NM_001284363.1, NM_001375272.1, NM_001438203.1 and 1 more transcripts); c.1542G>T, p.Gln514His (NM_001330418.3, NM_001375273.1); c.2031G>T, p.Gln677His (NM_001375269.1); c.1989G>T, p.Gln663His (NM_001375270.1, NM_001375271.1); c.1704G>T, p.Gln568His (NM_001411074.1); c.1800G>T, p.Gln600His (NM_001438205.1); short protein forms Q600H, Q568H, Q677H, Q663H, Q514H, Q631H, Q685H.
Identifiers: ClinVar variation 4795773 (VCV004795773.1).
Genomic context (GRCh38, chr17:62,608,058, plus strand): 5'-TTTCATCAGAGGCCTACATTATTTGTTTGTTTTTATGTGACAGCCTTTTGGCCATAACCA[G>T]TCTCAGCAAGACATCCTACAAGAGAATACGATTCTTAAAGCTACTGAAGTGCAGTTCCCG-3'
Protein context (NP_006843.2, residues 653-673): LYGRKPFGHN[Gln663His]SQQDILQENT

ClinVar aggregate classification (germline): Uncertain significance (1 of 4 stars; one submission).

Submission:

GeneDx
Classification: Uncertain significance. Last evaluated: 2025-08-13. Review status: criteria provided, single submitter. Criteria: GeneDx Variant Classification Process June 2021. Collection method: clinical testing. Allele origin: germline. Affected: yes.
Comment: Not observed at significant frequency in large population cohorts (gnomAD); In silico analysis supports that this missense variant has a deleterious effect on protein structure/function; Has not been previously published as pathogenic or benign to our knowledge